The following is an entry in ClinVar:

ClinVar aggregate classification (germline): Uncertain significance. Review status: criteria provided, multiple submitters, no conflicts (2 of 4 stars). 2 submissions from 2 submitters: Uncertain significance (2). Last evaluated 2024-03-06.

Conditions:
Breast-ovarian cancer, familial, susceptibility to, 4. Identifiers: Orphanet 145, MedGen C3280345, MONDO:0013669, OMIM 614291.
Hereditary cancer-predisposing syndrome. Also called: Tumor predisposition; Hereditary neoplastic syndrome; Hereditary Cancer Syndrome; Neoplastic Syndromes, Hereditary. Identifiers: Orphanet 140162, MedGen C0027672, MeSH D009386, MONDO:0015356.

Submissions (2):

Color Diagnostics, LLC DBA Color Health
Classification: Uncertain significance for Hereditary cancer-predisposing syndrome. Last evaluated: 2024-03-06. Review status: criteria provided, single submitter. Criteria: ACMG Guidelines, 2015. Collection method: clinical testing. Allele origin: germline.
Comment: This missense variant replaces glycine with glutamic acid at codon 312 of the RAD51D protein. Computational prediction suggests that this variant may not impact protein structure and function (internally defined REVEL score threshold <= 0.5, PMID: 27666373). To our knowledge, functional studies have not been reported for this variant. This variant has not been reported in individuals affected with hereditary cancer in the literature. This variant has not been identified in the general population by the Genome Aggregation Database (gnomAD). The available evidence is insufficient to determine the role of this variant in disease conclusively. Therefore, this variant is classified as a Variant of Uncertain Significance.

Labcorp Genetics (formerly Invitae), Labcorp
Classification: Uncertain significance for Breast-ovarian cancer, familial, susceptibility to, 4. Last evaluated: 2023-07-07. Review status: criteria provided, single submitter. Criteria: Invitae Variant Classification Sherloc (09022015). Collection method: clinical testing. Allele origin: germline.
Comment: This sequence change replaces glycine, which is neutral and non-polar, with glutamic acid, which is acidic and polar, at codon 312 of the RAD51D protein (p.Gly312Glu). This variant is not present in population databases (gnomAD no frequency). This variant has not been reported in the literature in individuals affected with RAD51D-related conditions. ClinVar contains an entry for this variant (Variation ID: 1171622). Advanced modeling of protein sequence and biophysical properties (such as structural, functional, and spatial information, amino acid conservation, physicochemical variation, residue mobility, and thermodynamic stability) performed at Invitae indicates that this missense variant is not expected to disrupt RAD51D protein function. In summary, the available evidence is currently insufficient to determine the role of this variant in disease. Therefore, it has been classified as a Variant of Uncertain Significance.

NM_002878.4(RAD51D):c.935G>A (p.Gly312Glu)

Genes: RAD51L3-RFFL (RAD51L3-RFFL readthrough; minus strand), RAD51D (RAD51 paralog D; minus strand). Cytogenetic location: 17q12.
Variant type: single nucleotide variant.
Coding change: c.935G>A on transcript NM_002878.4 (MANE Select); coding-DNA position 935, G replaced by A.
Protein change: p.Gly312Glu; replaces glycine 312 with glutamic acid.
Molecular consequence: missense variant. On other transcripts: non-coding transcript variant (2).
Genome position (GRCh38, 1-based): chr17:35,101,005, C>T on the plus strand (G>A on the coding strand, the complement: RAD51D is on the minus strand). VCF-style: chr17-35101005-C-T. GRCh37 (hg19) VCF-style: chr17-33428024-C-T.
Other names: c.995G>A, p.Gly332Glu (NM_001142571.2); c.599G>A, p.Gly200Glu (NM_133629.3); short protein forms G200E, G312E, G332E.
Identifiers: ClinVar variation 1171622 (VCV001171622.11), dbSNP rs1597855435, ClinGen allele CA399086128.